The following is an entry in ClinVar:

ClinVar aggregate classification (germline): Uncertain significance. Review status: criteria provided, multiple submitters, no conflicts (2 of 4 stars). 2 submissions from 2 submitters: Uncertain significance (2). Last evaluated 2024-04-09.

Conditions:
Pallister-Hall syndrome (PHS). Also called: HYPOTHALAMIC HAMARTOBLASTOMA, HYPOPITUITARISM, IMPERFORATE ANUS, AND POSTAXIAL POLYDACTYLY; GLI3-Related Pallister-Hall Syndrome. Identifiers: Orphanet 672, MedGen C0265220, MONDO:0007804, OMIM 146510.
Polysyndactyly 4. Also called: Polysyndactyly uncomplicated; Preaxial polydactyly 4. Identifiers: Orphanet 93338, MedGen C1868111, MONDO:0008272, OMIM 174700.
Greig cephalopolysyndactyly syndrome (GCPS). Also called: POLYSYNDACTYLY WITH PECULIAR SKULL SHAPE; Greig syndrome; GLI3-Related Greig Cephalopolysyndactyly Syndrome. Identifiers: Orphanet 380, MedGen C0265306, MONDO:0008287, OMIM 175700.
Polydactyly, postaxial, type A1. Identifiers: MedGen C4282400, MONDO:0008266, OMIM 174200.

Submissions (2):

GeneDx
Classification: Uncertain significance. Last evaluated: 2024-04-09. Review status: criteria provided, single submitter. Criteria: GeneDx Variant Classification Process June 2021. Collection method: clinical testing. Allele origin: germline. Affected: yes.
Comment: Not observed at significant frequency in large population cohorts (gnomAD); In silico analysis supports that this missense variant has a deleterious effect on protein structure/function; Has not been previously published as pathogenic or benign to our knowledge

Fulgent Genetics
Classification: Uncertain significance for Pallister-Hall syndrome; Polydactyly, postaxial, type A1; Polysyndactyly 4; Greig cephalopolysyndactyly syndrome. Last evaluated: 2024-02-01. Review status: criteria provided, single submitter. Criteria: ACMG Guidelines, 2015. Collection method: clinical testing. Allele origin: germline.

NM_000168.6(GLI3):c.2767C>G (p.Pro923Ala)

Gene: GLI3 (GLI family zinc finger 3; minus strand). Cytogenetic location: 7p14.1.
Variant type: single nucleotide variant.
Coding change: c.2767C>G on transcript NM_000168.6 (MANE Select); coding-DNA position 2767, C replaced by G.
Protein change: p.Pro923Ala; replaces proline 923 with alanine.
Molecular consequence: missense variant.
Genome position (GRCh38, 1-based): chr7:41,966,306, G>C on the plus strand (C>G on the coding strand, the complement: GLI3 is on the minus strand). VCF-style: chr7-41966306-G-C. GRCh37 (hg19) VCF-style: chr7-42005904-G-C.
Other names: short protein forms P923A.
Identifiers: ClinVar variation 3371690 (VCV003371690.2).